The following is an entry in ClinVar:

NM_003265.3(TLR3):c.1172C>T (p.Thr391Ile)

Gene: TLR3 (toll like receptor 3; plus strand). Cytogenetic location: 4q35.1.
Variant type: single nucleotide variant.
Coding change: c.1172C>T on transcript NM_003265.3 (MANE Select); coding-DNA position 1172, C replaced by T.
Protein change: p.Thr391Ile; replaces threonine 391 with isoleucine.
Molecular consequence: missense variant.
Genome position (GRCh38, 1-based): chr4:186,082,858, C>T. VCF-style: chr4-186082858-C-T. GRCh37 (hg19) VCF-style: chr4-187004012-C-T.
Other names: short protein forms T391I.
Identifiers: ClinVar variation 2731501 (VCV002731501.3), dbSNP rs779727082, ClinGen allele CA3161369.

ClinVar aggregate classification (germline): Uncertain significance (1 of 4 stars; one submission).

Conditions:
Encephalopathy, acute, infection-induced (herpes-specific), susceptibility to, 1. Also called: Herpes simplex encephalitis, susceptibility to, 1. Identifiers: Orphanet 1930, MedGen C2750180, MONDO:0024563, OMIM 610551.

Allele frequency attached by ClinVar (database versions not stated): ExAC 0.00002.
gnomAD v4.1: 7 of 1,613,666 alleles (0.00043%); highest among the groups gnomAD compares: Middle Eastern, 0.017%; no homozygotes.

Submission:

Labcorp Genetics (formerly Invitae), Labcorp
Classification: Uncertain significance for Encephalopathy, acute, infection-induced (herpes-specific), susceptibility to, 1. Last evaluated: 2023-11-13. Review status: criteria provided, single submitter. Criteria: Invitae Variant Classification Sherloc (09022015). Collection method: clinical testing. Allele origin: germline.
Comment: This sequence change replaces threonine, which is neutral and polar, with isoleucine, which is neutral and non-polar, at codon 391 of the TLR3 protein (p.Thr391Ile). This variant is present in population databases (rs779727082, gnomAD 0.02%). This variant has not been reported in the literature in individuals affected with TLR3-related conditions. An algorithm developed to predict the effect of missense changes on protein structure and function (PolyPhen-2) suggests that this variant is likely to be tolerated. In summary, the available evidence is currently insufficient to determine the role of this variant in disease. Therefore, it has been classified as a Variant of Uncertain Significance.